The following is an entry in ClinVar:

ClinVar aggregate classification (germline): Uncertain significance (1 of 4 stars; one submission).

Conditions:
Hereditary cancer-predisposing syndrome. Also called: Neoplastic Syndromes, Hereditary; Tumor predisposition; Hereditary neoplastic syndrome; Hereditary Cancer Syndrome. Identifiers: Orphanet 140162, MedGen C0027672, MeSH D009386, MONDO:0015356.

Allele frequency attached by ClinVar (database versions not stated): gnomAD 0.00001.
gnomAD v4.1: 1 of 1,613,212 alleles (0.000062%); highest among the groups gnomAD compares: African/African-American, 0.0013%; no homozygotes.

Submission:

Ambry Genetics
Classification: Uncertain significance for Hereditary cancer-predisposing syndrome. Last evaluated: 2022-11-17. Review status: criteria provided, single submitter. Criteria: Ambry Variant Classification Scheme 2023. Collection method: clinical testing. Allele origin: germline.
Comment: The p.P1295A variant (also known as c.3883C>G), located in coding exon 23 of the PTCH1 gene, results from a C to G substitution at nucleotide position 3883. The proline at codon 1295 is replaced by alanine, an amino acid with highly similar properties. This amino acid position is conserved. In addition, this alteration is predicted to be tolerated by in silico analysis. Since supporting evidence is limited at this time, the clinical significance of this alteration remains unclear.

NM_000264.5(PTCH1):c.3883C>G (p.Pro1295Ala)

Gene: PTCH1 (patched 1; minus strand). Cytogenetic location: 9q22.32.
Variant type: single nucleotide variant.
Coding change: c.3883C>G on transcript NM_000264.5 (MANE Select); coding-DNA position 3883, C replaced by G.
Protein change: p.Pro1295Ala; replaces proline 1295 with alanine.
Molecular consequence: missense variant. On other transcripts: non-coding transcript variant (1).
Genome position (GRCh38, 1-based): chr9:95,447,373, G>C on the plus strand (C>G on the coding strand, the complement: PTCH1 is on the minus strand). VCF-style: chr9-95447373-G-C. GRCh37 (hg19) VCF-style: chr9-98209655-G-C.
Other names: c.3685C>G, p.Pro1229Ala (NM_001083602.3); c.3880C>G, p.Pro1294Ala (NM_001083603.3); c.3430C>G, p.Pro1144Ala (NM_001083604.3, NM_001083605.3, NM_001083606.3 and 1 more transcripts); c.3727C>G, p.Pro1243Ala (NM_001354918.2); short protein forms P1243A, P1295A, P1144A, P1229A, P1294A.
Identifiers: ClinVar variation 2452432 (VCV002452432.2), dbSNP rs1060502275, ClinGen allele CA374110729.